The following is an entry in ClinVar:

ClinVar aggregate classification (germline): Uncertain significance (1 of 4 stars; one submission).

Conditions:
Familial cancer of breast. Also called: BREAST CANCER, FAMILIAL; Hereditary breast cancer; hereditary breast carcinoma. Identifiers: Orphanet 227535, MedGen C0346153, MONDO:0016419, OMIM 114480. Disease mechanism: loss of function.

Submission:

Labcorp Genetics (formerly Invitae), Labcorp
Classification: Uncertain significance for Familial cancer of breast. Last evaluated: 2021-01-14. Review status: criteria provided, single submitter. Criteria: Invitae Variant Classification Sherloc (09022015). Collection method: clinical testing. Allele origin: germline.
Comment: In summary, the available evidence is currently insufficient to determine the role of this variant in disease. Therefore, it has been classified as a Variant of Uncertain Significance. Algorithms developed to predict the effect of missense changes on protein structure and function output the following: SIFT: "Tolerated"; PolyPhen-2: "Benign"; Align-GVGD: "Class C0". The glycine amino acid residue is found in multiple mammalian species, suggesting that this missense change does not adversely affect protein function. These predictions have not been confirmed by published functional studies and their clinical significance is uncertain. This variant has not been reported in the literature in individuals with PALB2-related disease. ClinVar contains an entry for this variant (Variation ID: 460906). This variant is not present in population databases (ExAC no frequency). This sequence change replaces glutamic acid with glycine at codon 554 of the PALB2 protein (p.Glu554Gly). The glutamic acid residue is weakly conserved and there is a moderate physicochemical difference between glutamic acid and glycine.

NM_024675.4(PALB2):c.1661A>G (p.Glu554Gly)

Gene: PALB2 (partner and localizer of BRCA2; minus strand). Cytogenetic location: 16p12.2.
Variant type: single nucleotide variant.
Coding change: c.1661A>G on transcript NM_024675.4 (MANE Select); coding-DNA position 1661, A replaced by G.
Protein change: p.Glu554Gly; replaces glutamic acid 554 with glycine.
Molecular consequence: missense variant.
Genome position (GRCh38, 1-based): chr16:23,634,885, T>C on the plus strand (A>G on the coding strand, the complement: PALB2 is on the minus strand). VCF-style: chr16-23634885-T-C. GRCh37 (hg19) VCF-style: chr16-23646206-T-C.
Other names: short protein forms E554G.
Identifiers: ClinVar variation 460906 (VCV000460906.9), dbSNP rs1555461164, ClinGen allele CA395130051.
Genomic context (GRCh38, chr16:23,634,885, plus strand): 5'-CATCATCATCATCATCATCAAACACATCTTGATTTACCTTTCACTTGAATAAATAATTTT[T>C]CGTGCTGATATTTGTGTGAGGTGACTTCTTCCTTGGACCTGTTAACAATCGACAGGCTAG-3'
Protein context (NP_078951.2, residues 544-564): EEVTSHKYQH[Glu554Gly]KLFIQVKGKK